The following is an entry in ClinVar:

ClinVar aggregate classification (germline): Conflicting classifications of pathogenicity. Review status: criteria provided, conflicting classifications (1 of 4 stars). 13 submissions from 13 submitters: Pathogenic (1); Likely pathogenic (2); Uncertain significance (10). Last evaluated 2026-08-27.

Conditions:
Cardiovascular phenotype. Identifiers: MedGen CN230736.
Cardiomyopathy (CMYO). Also called: Cardiomyopathies. Identifiers: Orphanet 167848, MedGen C0878544, MONDO:0004994, HP:0001638. Inheritance: Various modes of inheritance.
Dilated cardiomyopathy 1S (CMD1S). Identifiers: Orphanet 154, Orphanet 54260, MedGen C1834481, MONDO:0013262, OMIM 613426.
Dilated and arrhythmogenic cardiomyopathy.
Hypertrophic cardiomyopathy. Also called: HYPERTROPHIC MYOCARDIOPATHY. Identifiers: Orphanet 217569, MedGen C0007194, MeSH D002312, MONDO:0005045, HP:0001639.
Left ventricular noncompaction cardiomyopathy. Also called: left ventricular non-compaction cardiomyopathy. Identifiers: MedGen C4021133, HP:0011664.
Primary dilated cardiomyopathy (DCM). Also called: Dilated Cardiomyopathy. Identifiers: Orphanet 217604, MedGen C0007193, MeSH D002311, MONDO:0005021, HP:0001644. Inheritance: Various modes of inheritance.

Allele frequency attached by ClinVar (database versions not stated): gnomAD exomes 0.00001; TOPMed below 0.00001; ExAC 0.00001; gnomAD 0.00001.

Submissions (13):

North West Genomic Laboratory Hub, Manchester University NHS Foundation Trust
Classification: Likely pathogenic for Dilated and arrhythmogenic cardiomyopathy. Last evaluated: 2026-08-27. Review status: criteria provided, single submitter. Criteria: ACGS Best Practice Guidelines for Variant Classification in Rare Disease 2024. Collection method: clinical testing. Allele origin: germline. Affected: yes.
Comment: PP3_Supp PP1_Str PS4_Mod

Ambry Genetics
Classification: Uncertain significance for Cardiovascular phenotype. Last evaluated: 2025-11-24. Review status: criteria provided, single submitter. Criteria: Ambry Variant Classification Scheme 2023. Collection method: clinical testing. Allele origin: germline.
Comment: The p.R1359C variant (also known as c.4075C>T), located in coding exon 28 of the MYH7 gene, results from a C to T substitution at nucleotide position 4075. The arginine at codon 1359 is replaced by cysteine, an amino acid with highly dissimilar properties. This variant has been reported with a variety of cardiac phenotypes, including left ventricular non-compaction (LVNC), dilated cardiomyopathy (DCM), hypertrophic cardiomyopathy (HCM), and sudden infant death syndrome (SIDS) (Hershberger RE et al. Clin Transl Sci, 2008 May;1:21-6; Klaassen S et al. Circulation, 2008 Jun;117:2893-901; Probst S et al. Circ Cardiovasc Genet, 2011 Aug;4:367-74; Burns C et al. Circ Cardiovasc Genet, 2017 Aug;10:[Epub ahead of print]; K&ouml;ffer J et al. Int J Legal Med. 2021 Jan;135(1):207-212). This amino acid position is highly conserved in available vertebrate species. In addition, this alteration is predicted to be deleterious by in silico analysis. Since supporting evidence is limited at this time, the clinical significance of this alteration remains unclear.

Labcorp Genetics (formerly Invitae), Labcorp
Classification: Pathogenic for Hypertrophic cardiomyopathy. Last evaluated: 2025-07-21. Review status: criteria provided, single submitter. Criteria: Invitae Variant Classification Sherloc (09022015). Collection method: clinical testing. Allele origin: germline.
Comment: This sequence change replaces arginine, which is basic and polar, with cysteine, which is neutral and slightly polar, at codon 1359 of the MYH7 protein (p.Arg1359Cys). This variant is present in population databases (rs45451303, gnomAD 0.01%). This missense change has been observed in individuals with dilated cardiomyopathy, hypertrophic cardiomyopathy, and/or left ventricular noncompaction (PMID: 18506004, 19412328, 20965760, 28790153; internal data). It has also been observed to segregate with disease in related individuals. ClinVar contains an entry for this variant (Variation ID: 178082). Invitae Evidence Modeling of protein sequence and biophysical properties (such as structural, functional, and spatial information, amino acid conservation, physicochemical variation, residue mobility, and thermodynamic stability) indicates that this missense variant is expected to disrupt MYH7 protein function with a positive predictive value of 95%. This variant disrupts the p.Arg1359 amino acid residue in MYH7. Other variant(s) that disrupt this residue have been observed in individuals with MYH7-related conditions (internal data), which suggests that this may be a clinically significant amino acid residue. For these reasons, this variant has been classified as Pathogenic.

Blueprint Genetics
Classification: Uncertain significance. Last evaluated: 2024-11-06. Review status: criteria provided, single submitter. Criteria: ACMG Guidelines, 2015. Collection method: clinical testing. Allele origin: germline.

GeneDx
Classification: Uncertain significance. Last evaluated: 2024-10-24. Review status: criteria provided, single submitter. Criteria: GeneDx Variant Classification Process June 2021. Collection method: clinical testing. Allele origin: germline. Affected: yes.
Comment: Reported in patients with cardiomyopathy in published literature (PMID: 27066506, 19412328, 21551322, 29447731, 36252119, 35050212, 36396199, 20965760); Not observed at significant frequency in large population cohorts (gnomAD); In silico analysis supports that this missense variant has a deleterious effect on protein structure/function; This variant is associated with the following publications: (PMID: 21551322, 19412328, 18506004, 28790153, 34542152, 31983221, 32894683, 37652022, 36264615, 36243179, 27066506, 29447731, 36252119, 35050212, 36396199, 20965760, 37342443, 32789579)

Revvity Omics, Revvity
Classification: Likely pathogenic. Last evaluated: 2024-04-12. Review status: criteria provided, single submitter. Criteria: ACMG Guidelines, 2015. Collection method: clinical testing. Allele origin: germline.

All of Us Research Program, National Institutes of Health
Classification: Uncertain significance for Cardiomyopathy. Last evaluated: 2023-06-26. Review status: criteria provided, single submitter. Criteria: ACMG Guidelines, 2015. Collection method: clinical testing. Allele origin: germline. Inheritance: Autosomal dominant inheritance. Observed: 1 variant allele, 1 heterozygote.
Comment: This missense variant replaces arginine with cysteine at codon 1359 of the MYH7 protein. Computational prediction suggests that this variant may have deleterious impact on protein structure and function (internally defined REVEL score threshold >= 0.7, PMID: 27666373). To our knowledge, functional studies have not been reported for this variant. This variant has been reported in two individuals affected with left ventricular noncompaction (PMID: 18506004, 20965760), two individuals affected with dilated cardiomyopathy (PMID: 19412328, 35050212), and one individual affected with hypertrophic cardiomyopathy (PMID: 28790153). This variant has been identified in 2/251432 chromosomes in the general population by the Genome Aggregation Database (gnomAD). The available evidence is insufficient to determine the role of this variant in disease conclusively. Therefore, this variant is classified as a Variant of Uncertain Significance.

This study involves interpretation of variants in research participants for the purpose of population health screening. Participant phenotype was not available at the time of variant classification. Additional details can be found in publication PMID: 35346344, PMCID: PMC8962531

Color Diagnostics, LLC DBA Color Health
Classification: Uncertain significance for Cardiomyopathy. Last evaluated: 2022-07-21. Review status: criteria provided, single submitter. Criteria: ACMG Guidelines, 2015. Collection method: clinical testing. Allele origin: germline.
Comment: This missense variant replaces arginine with cysteine at codon 1359 of the MYH7 protein. Computational prediction suggests that this variant may have deleterious impact on protein structure and function (internally defined REVEL score threshold >= 0.7, PMID: 27666373). To our knowledge, functional studies have not been reported for this variant. This variant has been reported in two individuals affected with left ventricular noncompaction (PMID: 18506004, 20965760), two individuals affected with dilated cardiomyopathy (PMID: 19412328, 35050212), and one individual affected with hypertrophic cardiomyopathy (PMID: 28790153). This variant has been identified in 2/251432 chromosomes in the general population by the Genome Aggregation Database (gnomAD). The available evidence is insufficient to determine the role of this variant in disease conclusively. Therefore, this variant is classified as a Variant of Uncertain Significance.

CHEO Genetics Diagnostic Laboratory, Children's Hospital of Eastern Ontario
Classification: Uncertain significance for Cardiomyopathy. Last evaluated: 2022-04-27. Review status: criteria provided, single submitter. Criteria: ACMG Guidelines, 2015. Collection method: clinical testing. Allele origin: germline. Study: Canadian Open Genetics Repository.

Agnes Ginges Centre for Molecular Cardiology, Centenary Institute
Classification: Uncertain significance for hypertrophic cardiomyopathy; dilated cardiomyopathy; left ventricular non-compaction cardiomyopathy. Last evaluated: 2021-03-29. Review status: criteria provided, single submitter. Criteria: ACMG Guidelines, 2015. Collection method: research. Allele origin: germline. Inheritance: Autosomal dominant inheritance. Affected: yes.
Comment: MYH7 Arg1359Cys variant is present in the Genome Aggregation Database at an allele frequency of 0.000081. This variant has been reported in cases with left ventricular noncompaction (Waning et al., 2018; Chang et al., 2011; Klaassen et al., 2008) and DCM (Hershberger et al. 2008). In silico tools (SIFT, PolyPhen-2, MutationTaster) are in agreement and supportive of deleterious role. Based on this evidence we classify MYH7 Arg1359Cys as a variant of 'uncertain significance'.

Laboratory for Molecular Medicine, Mass General Brigham Personalized Medicine
Classification: Uncertain significance. Last evaluated: 2019-08-12. Review status: criteria provided, single submitter. Criteria: LMM Criteria. Collection method: clinical testing. Allele origin: germline. Observed: 1 variant allele.
Comment: The p.Arg1359Cys variant in MYH7 has been reported in 1 individual with LVNC and 2 individuals with DCM (Klaassen 2008, Hershberger 2008, LMM data). It has also been identified in 2/251432 chromosomes by gnomAD and reported in ClinVar (Variation ID #178082). Computational prediction tools and conservation analyses suggest that this variant may impact the protein, though this information is not predictive enough to determine pathogenicity. In summary, the clinical significance of this variant is uncertain. ACMG/AMP Criteria applied: PM2, PS4_Supporting, PP3.

SIB Swiss Institute of Bioinformatics
Classification: Uncertain significance for Dilated cardiomyopathy 1S. Last evaluated: 2018-05-31. Review status: criteria provided, single submitter. Criteria: ACMG Guidelines, 2015. Collection method: curation. Allele origin: unknown.
Comment: This variant is interpreted as a Uncertain Significance - Insufficient Evidence, for Cardiomyopathy, dilated 1S (CMD1S), in Autosomal Dominant manner. The following ACMG Tag(s) were applied: PM2 => Absent from controls (or at extremely low frequency if recessive) in Exome Sequencing Project, 1000 Genomes Project, or Exome Aggregation Consortium. PP3 => Multiple lines of computational evidence support a deleterious effect on the gene or gene product.

Eurofins Ntd Llc (ga)
Classification: Uncertain significance. Last evaluated: 2016-01-20. Review status: criteria provided, single submitter. Criteria: EGL Classification Definitions 2015. Collection method: clinical testing. Allele origin: germline.

Literature cited by the submitters: PubMed 18506004 (cited by 6 submitters); PubMed 19412328 (cited by 6 submitters); PubMed 21551322 (cited by Ambry Genetics); PubMed 28790153 (cited by 4 submitters); PubMed 29447731 (cited by Ambry Genetics and Agnes Ginges Centre for Molecular Cardiology, Centenary Institute); PubMed 31983221 (cited by Ambry Genetics); PubMed 32789579 (cited by Ambry Genetics); PubMed 36252119 (cited by Ambry Genetics); PubMed 20965760 (cited by 4 submitters); PubMed 35050212 (cited by All of Us Research Program, National Institutes of Health and Color Diagnostics, LLC DBA Color Health).

NM_000257.4(MYH7):c.4075C>T (p.Arg1359Cys)

Gene: MYH7 (myosin heavy chain 7; minus strand). Cytogenetic location: 14q11.2.
Variant type: single nucleotide variant.
Coding change: c.4075C>T on transcript NM_000257.4 (MANE Select); coding-DNA position 4075, C replaced by T.
Protein change: p.Arg1359Cys; replaces arginine 1359 with cysteine.
Molecular consequence: missense variant.
Genome position (GRCh38, 1-based): chr14:23,418,304, G>A on the plus strand (C>T on the coding strand, the complement: MYH7 is on the minus strand). VCF-style: chr14-23418304-G-A. GRCh37 (hg19) VCF-style: chr14-23887513-G-A.
Other names: p.R1359C:CGC>TGC; NM_000257.3(MYH7):c.4075C>T(p.Arg1359Cys); short protein forms R1359C.
Identifiers: ClinVar variation 178082 (VCV000178082.33), dbSNP rs45451303, ClinGen allele CA014422.